The following is an entry in ClinVar:

ClinVar aggregate classification (germline): Uncertain significance. Review status: criteria provided, multiple submitters, no conflicts (2 of 4 stars). 2 submissions from 2 submitters: Uncertain significance (2). Last evaluated 2023-06-14.

Conditions:
Isolated focal cortical dysplasia type II (FCORD2). Also called: CORTICAL DYSPLASIA OF TAYLOR; Focal cortical dysplasia type II. Identifiers: Orphanet 268994, MedGen C1846385, MONDO:0011818, OMIM 607341, HP:0032051.
Hereditary cancer-predisposing syndrome. Also called: Neoplastic Syndromes, Hereditary; Tumor predisposition; Hereditary neoplastic syndrome; Hereditary Cancer Syndrome. Identifiers: Orphanet 140162, MedGen C0027672, MeSH D009386, MONDO:0015356.

Submissions (2):

Baylor Genetics
Classification: Uncertain significance for Isolated focal cortical dysplasia type II. Last evaluated: 2023-06-14. Review status: criteria provided, single submitter. Criteria: ACMG Guidelines, 2015. Collection method: clinical testing. Allele origin: unknown.

Ambry Genetics
Classification: Uncertain significance for Hereditary cancer-predisposing syndrome. Last evaluated: 2022-11-10. Review status: criteria provided, single submitter. Criteria: Ambry Variant Classification Scheme 2023. Collection method: clinical testing. Allele origin: germline.
Comment: The p.F966V variant (also known as c.2896T>G), located in coding exon 25 of the TSC2 gene, results from a T to G substitution at nucleotide position 2896. The phenylalanine at codon 966 is replaced by valine, an amino acid with highly similar properties. This amino acid position is conserved. In addition, the in silico prediction for this alteration is inconclusive. Since supporting evidence is limited at this time, the clinical significance of this alteration remains unclear.

NM_000548.5(TSC2):c.2896T>G (p.Phe966Val)

Gene: TSC2 (TSC complex subunit 2; plus strand). Cytogenetic location: 16p13.3.
Variant type: single nucleotide variant.
Coding change: c.2896T>G on transcript NM_000548.5 (MANE Select); coding-DNA position 2896, T replaced by G.
Protein change: p.Phe966Val; replaces phenylalanine 966 with valine.
Molecular consequence: missense variant. On other transcripts: intron variant (31).
Genome position (GRCh38, 1-based): chr16:2,077,656, T>G. VCF-style: chr16-2077656-T-G. GRCh37 (hg19) VCF-style: chr16-2127657-T-G.
Other names: c.2896T>G, p.Phe966Val (NM_001114382.3, NM_001406663.1, NM_001406664.1); c.2785T>G, p.Phe929Val (NM_001406670.1); c.2749T>G, p.Phe917Val (NM_001406675.1, NM_001406676.1); c.2296T>G, p.Phe766Val (NM_001406680.1, NM_001406682.1, NM_001406683.1 and 1 more transcripts); c.1552T>G, p.Phe518Val (NM_001406689.1); c.1493+1071T>G (NM_001406693.1, NM_001406690.1, NM_001406692.1 and 5 more transcripts); c.2927+1071T>G (NM_001406667.1, NM_001406668.1); c.2237+1071T>G (NM_001406687.1, NM_001406685.1, NM_001318831.2 and 2 more transcripts); and 8 more; short protein forms F917V, F518V, F766V, F966V, F929V.
Identifiers: ClinVar variation 2449950 (VCV002449950.3), dbSNP rs1567490884, ClinGen allele CA394281131.
Genomic context (GRCh38, chr16:2,077,656, plus strand): 5'-AGTCTGAGGATAGCCAGACCCCCCAAACAAGGCTTGAATAACTCTCCACCCGTGAAAGAA[T>G]TCAAGGAGAGCTCTGCAGCCGAGGCCTTCCGGTGCCGCAGCATCAGTGTGTCTGAACATG-3'
Protein context (NP_000539.2, residues 956-976): GLNNSPPVKE[Phe966Val]KESSAAEAFR